The following is an entry in ClinVar:

NM_001854.4(COL11A1):c.1473_1475inv (p.Met492Ter)

Gene: COL11A1 (collagen type XI alpha 1 chain; minus strand). Cytogenetic location: 1p21.1.
Variant type: Inversion.
Coding change: c.1473_1475inv on transcript NM_001854.4 (MANE Select).
Protein change: p.Met492Ter; replaces methionine 492 with a stop codon.
Molecular consequence: nonsense. On other transcripts: non-coding transcript variant (1).
Genome position: GRCh38 VCF-style: chr1-103015681-ATA-TAT. GRCh37 (hg19) VCF-style: chr1-103481237-ATA-TAT.
Other names: c.1125_1127invTAT, p.Met376Ter (NM_001168249.1); c.1356_1358inv, p.Met453Ter (NM_001190709.2); c.1509_1511inv, p.Met504Ter (NM_080629.3); c.1125_1127inv, p.Met376Ter (NM_080630.4); short protein forms M376*, M453*, M492*, M504*.
Identifiers: ClinVar variation 3062163 (VCV003062163.2), ClinGen allele CA2740090324.

ClinVar aggregate classification (germline): Likely pathogenic (1 of 4 stars; one submission).

Conditions:
Hearing loss, autosomal dominant 37. Also called: DEAFNESS, AUTOSOMAL DOMINANT 37. Identifiers: MedGen C4760307, MONDO:0032802, OMIM 618533.

Submission:

Institute of Human Genetics, University of Goettingen
Classification: Likely pathogenic for Hearing loss, autosomal dominant 37. Last evaluated: 2024-03-19. Review status: criteria provided, single submitter. Criteria: ACMG Guidelines, 2015. Collection method: clinical testing. Allele origin: unknown. Inheritance: Autosomal dominant inheritance. Affected: yes. Observed: 1 heterozygote.
Comment: The variant c.1473_1475inv (p.(Met492*)) in exon 12 of the COL11A1 gene is not found in the gnomAD database and changes the protein sequence at position 492 and interrupts the reading frame prematurely. Truncating variants in the COL11A1 gene are a known mechanism of disease. ACMG criteria used for classification: PVS1, PM2_sup.